The following is an entry in ClinVar:

ClinVar aggregate classification (germline): Conflicting classifications of pathogenicity. Review status: criteria provided, conflicting classifications (1 of 4 stars). 4 submissions from 4 submitters: Uncertain significance (1); Likely benign (3). Last evaluated 2025-06-27.

Conditions:
Hereditary cancer-predisposing syndrome. Also called: Neoplastic Syndromes, Hereditary; Tumor predisposition; Hereditary neoplastic syndrome; Hereditary Cancer Syndrome. Identifiers: Orphanet 140162, MedGen C0027672, MeSH D009386, MONDO:0015356.
BAP1-related tumor predisposition syndrome (TPDS1). Also called: Tumor susceptibility linked to germline BAP1 mutations; BAP1 tumor predisposition syndrome; TUMOR PREDISPOSITION SYNDROME 1; COMMON Syndrome. Identifiers: Orphanet 289539, MedGen C3280492, MONDO:0013692, OMIM 614327.

Allele frequency attached by ClinVar (database versions not stated): gnomAD exomes 0.00002 and 0.00006; ESP Exome Variant Server 0.00008; TOPMed 0.00001; ExAC 0.00013.

Submissions (4):

Labcorp Genetics (formerly Invitae), Labcorp
Classification: Uncertain significance for BAP1-related tumor predisposition syndrome. Last evaluated: 2025-06-27. Review status: criteria provided, single submitter. Criteria: Invitae Variant Classification Sherloc (09022015). Collection method: clinical testing. Allele origin: germline.
Comment: This sequence change replaces threonine, which is neutral and polar, with isoleucine, which is neutral and non-polar, at codon 576 of the BAP1 protein (p.Thr576Ile). This variant is present in population databases (rs374920141, gnomAD 0.01%). This missense change has been observed in individual(s) with uveal melanoma (PMID: 26876698). ClinVar contains an entry for this variant (Variation ID: 628615). An algorithm developed to predict the effect of missense changes on protein structure and function (PolyPhen-2) suggests that this variant is likely to be tolerated. In summary, the available evidence is currently insufficient to determine the role of this variant in disease. Therefore, it has been classified as a Variant of Uncertain Significance.

Myriad Genetics, Inc.
Classification: Likely benign for BAP1-related tumor predisposition syndrome. Last evaluated: 2024-07-17. Review status: criteria provided, single submitter. Criteria: Myriad Autosomal Dominant, Autosomal Recessive and X-Linked Classification Criteria (2023). Collection method: clinical testing. Allele origin: unknown.
Comment: This variant is considered likely benign. This variant has been observed at a population frequency that is significantly greater than expected given the associated disease prevalence and penetrance.

Ambry Genetics
Classification: Likely benign for Hereditary cancer-predisposing syndrome. Last evaluated: 2022-01-06. Review status: criteria provided, single submitter. Criteria: Ambry Variant Classification Scheme 2023. Collection method: clinical testing. Allele origin: germline.

Color Diagnostics, LLC DBA Color Health
Classification: Likely benign for Hereditary cancer-predisposing syndrome. Last evaluated: 2016-07-25. Review status: criteria provided, single submitter. Criteria: ACMG Guidelines, 2015. Collection method: clinical testing. Allele origin: germline.

Literature cited by the submitters: PubMed 26876698 (cited by Labcorp Genetics (formerly Invitae), Labcorp and Ambry Genetics); PubMed 30517737 (cited by Ambry Genetics); PubMed 31058963 (cited by Ambry Genetics).

NM_004656.4(BAP1):c.1727C>T (p.Thr576Ile)

Gene: BAP1 (BRCA1 associated deubiquitinase 1; minus strand). Cytogenetic location: 3p21.1.
Variant type: single nucleotide variant.
Coding change: c.1727C>T on transcript NM_004656.4 (MANE Select); coding-DNA position 1727, C replaced by T.
Protein change: p.Thr576Ile; replaces threonine 576 with isoleucine.
Molecular consequence: missense variant.
Genome position (GRCh38, 1-based): chr3:52,403,418, G>A on the plus strand (C>T on the coding strand, the complement: BAP1 is on the minus strand). VCF-style: chr3-52403418-G-A. GRCh37 (hg19) VCF-style: chr3-52437434-G-A.
Other names: short protein forms T576I.
Identifiers: ClinVar variation 628615 (VCV000628615.12), dbSNP rs374920141, ClinGen allele CA2436748.